The following is an entry in ClinVar:

ClinVar aggregate classification (germline): Pathogenic (1 of 4 stars; one submission).

Conditions:
Developmental and epileptic encephalopathy, 12 (DEE12). Identifiers: MedGen C3150988, MONDO:0013389, OMIM 613722.

Submission:

Labcorp Genetics (formerly Invitae), Labcorp
Classification: Pathogenic for Developmental and epileptic encephalopathy, 12. Last evaluated: 2025-07-15. Review status: criteria provided, single submitter. Criteria: Invitae Variant Classification Sherloc (09022015). Collection method: clinical testing. Allele origin: germline.
Comment: This sequence change creates a premature translational stop signal (p.Val4Trpfs*35) in the PNKP gene. It is expected to result in an absent or disrupted protein product. Loss-of-function variants in PNKP are known to be pathogenic (PMID: 20118933, 25728773). This variant is present in population databases (no rsID available, gnomAD 0.007%). This variant has not been reported in the literature in individuals affected with PNKP-related conditions. For these reasons, this variant has been classified as Pathogenic.

Literature cited by the submitters: PubMed 20118933; PubMed 25728773.

NM_007254.4(PNKP):c.10del (p.Val4fs)

Gene: PNKP (polynucleotide kinase 3'-phosphatase; minus strand). Cytogenetic location: 19q13.33.
Variant type: Deletion.
Coding change: c.10del on transcript NM_007254.4 (MANE Select); coding-DNA position 10, one base deleted (G; older notation c.10delG).
Protein change: p.Val4fs; shifts the reading frame from valine 4.
Molecular consequence: frameshift variant.
Genome position (GRCh38, 1-based): chr19:49,867,195, C deleted on the plus strand (G on the coding strand, the reverse complement: PNKP is on the minus strand); the first of 2 consecutive C bases (chr19:49,867,195-49,867,196); deleting either gives the same sequence. VCF-style (leftmost placement, unchanged base first): chr19-49867194-AC-A. GRCh37 (hg19) VCF-style: chr19-50370451-AC-A.
Other names: short protein forms V4fs.
Identifiers: ClinVar variation 4737170 (VCV004737170.1).
Genomic context (GRCh38, chr19:49,867,194, plus strand): 5'-AGGAAGATGGGGGGCGCTCCCCCAGGGGGGCTCTCGAGCCACAAGCGGCCCGGGGCCTCC[AC>A]CTCGCCCATCCTGGGTGCCGGCCTGGGGAGCAGGTAAACGGGCTTGAGCGGCGCACAGCC-3'